The following is an entry in ClinVar:

ClinVar aggregate classification (germline): Uncertain significance. Review status: criteria provided, multiple submitters, no conflicts (2 of 4 stars). 3 submissions from 3 submitters: Uncertain significance (3). Last evaluated 2025-09-23.

Conditions:
Loeys-Dietz syndrome 2 (LDS2). Also called: Marfan syndrome, type 2 (formerly); AORTIC ANEURYSM, FAMILIAL THORACIC 3; Marfan Syndrome type 2; Marfan like connective tissue disorder; MFS 2; MARFAN SYNDROME, TYPE II. Identifiers: Orphanet 284973, Orphanet 558, MedGen C2674574, MONDO:0012427, OMIM 610168.

Allele frequency attached by ClinVar (database versions not stated): gnomAD exomes 0.00002 and 0.00011; ExAC 0.00003; gnomAD 0.00003; TOPMed 0.00004.
gnomAD v4.1: 159 of 1,613,184 alleles (0.0099%); highest among the groups gnomAD compares: Non-Finnish European, 0.013%; no homozygotes.

Submissions (3):

Labcorp Genetics (formerly Invitae), Labcorp
Classification: Uncertain significance for Loeys-Dietz syndrome 2. Last evaluated: 2025-09-23. Review status: criteria provided, single submitter. Criteria: Invitae Variant Classification Sherloc (09022015). Collection method: clinical testing. Allele origin: germline.
Comment: This sequence change replaces isoleucine, which is neutral and non-polar, with phenylalanine, which is neutral and non-polar, at codon 617 of the TMPO protein (p.Ile617Phe). This variant is present in population databases (rs759832690, gnomAD 0.006%). This variant has not been reported in the literature in individuals affected with TMPO-related conditions. ClinVar contains an entry for this variant (Variation ID: 202142). Invitae Evidence Modeling of protein sequence and biophysical properties (such as structural, functional, and spatial information, amino acid conservation, physicochemical variation, residue mobility, and thermodynamic stability) indicates that this missense variant is not expected to disrupt TMPO protein function with a negative predictive value of 80%. In summary, the available evidence is currently insufficient to determine the role of this variant in disease. Therefore, it has been classified as a Variant of Uncertain Significance.

Ambry Genetics
Classification: Uncertain significance. Last evaluated: 2023-11-29. Review status: criteria provided, single submitter. Criteria: Ambry Variant Classification Scheme 2023. Collection method: clinical testing. Allele origin: germline.
Comment: The p.I617F variant (also known as c.1849A>T), located in coding exon 4 of the TMPO gene, results from an A to T substitution at nucleotide position 1849. The isoleucine at codon 617 is replaced by phenylalanine, an amino acid with highly similar properties. This amino acid position is not well conserved in available vertebrate species. In addition, this alteration is predicted to be tolerated by in silico analysis. Since supporting evidence is limited at this time, the clinical significance of this alteration remains unclear.

GeneDx
Classification: Uncertain significance. Last evaluated: 2014-10-08. Review status: criteria provided, single submitter. Criteria: GeneDx Variant Classification (06012015). Collection method: clinical testing. Allele origin: germline. Affected: yes.
Comment: The I617F variant has not been published as a mutation, nor has it been reported as a benign polymorphism to our knowledge. The I617F variant was not observed in approximately 6,500 individuals of European and African American ancestry in the NHLBI Exome Sequencing Project, indicating it is not a common benign variant in these populations. The I617F variant is a conservative amino acid substitution, which is not likely to impact secondary protein structure as these residues share similar properties. This substitution occurs at a position that is class conserved in most mammals. In silico analysis is inconsistent in its predictions as to whether or not the variant is damaging to the protein structure/function. Missense mutations in nearby residues have not been reported, indicating this region of the protein may be tolerant of change. Therefore, based on the currently available information, it is unclear whether this variant is a pathogenic mutation or a rare benign variant. The variant is found in CARDIOMYOPATHY panel(s).

NM_001032283.3(TMPO):c.565+2268A>T

Gene: TMPO (thymopoietin; plus strand). Cytogenetic location: 12q23.1.
Variant type: single nucleotide variant.
Coding change: c.565+2268A>T on transcript NM_001032283.3 (MANE Select); 2268 bases into the intron after coding-DNA position 565, A replaced by T.
Molecular consequence: intron variant. On other transcripts: missense variant (1).
Genome position (GRCh38, 1-based): chr12:98,534,106, A>T. VCF-style: chr12-98534106-A-T. GRCh37 (hg19) VCF-style: chr12-98927884-A-T.
Other names: p.I617F:ATT>TTT; c.1849A>T, p.Ile617Phe (NM_003276.2); c.565+2268A>T (NM_001307975.2, NM_001032284.3); short protein forms I617F.
Identifiers: ClinVar variation 202142 (VCV000202142.16), dbSNP rs759832690, ClinGen allele CA308919.